The following is an entry in ClinVar:

NM_176787.5(PIGN):c.649G>A (p.Gly217Arg)

Gene: PIGN (phosphatidylinositol glycan anchor biosynthesis class N; minus strand). Cytogenetic location: 18q21.33.
Variant type: single nucleotide variant.
Coding change: c.649G>A on transcript NM_176787.5 (MANE Select); coding-DNA position 649, G replaced by A.
Protein change: p.Gly217Arg; replaces glycine 217 with arginine.
Molecular consequence: missense variant.
Genome position (GRCh38, 1-based): chr18:62,148,239, C>T on the plus strand (G>A on the coding strand, the complement: PIGN is on the minus strand). VCF-style: chr18-62148239-C-T. GRCh37 (hg19) VCF-style: chr18-59815472-C-T.
Other names: c.649G>A, p.Gly217Arg (NM_012327.6); short protein forms G217R.
Identifiers: ClinVar variation 1753881 (VCV001753881.4), dbSNP rs1329637372, ClinGen allele CA402602028.
Genomic context (GRCh38, chr18:62,148,239, plus strand): 5'-CCTAAAAAATACAATTAAACACAATATTAAATTACCTCGAGGATGGTCGATGAGCATGTC[C>T]GTTTGTATCTATTCCTAATAAATGTAAGAAAAAAACTATTTTCTCTTCATTTATTTTAGA-3'
Protein context (NP_789744.1, residues 207-227): FLHLLGIDTN[Gly217Arg]HAHRPSSRDY

ClinVar aggregate classification (germline): Uncertain significance. Review status: criteria provided, multiple submitters, no conflicts (2 of 4 stars). 2 submissions from 2 submitters: Uncertain significance (2). Last evaluated 2024-07-14.

Conditions:
Inborn genetic diseases. Identifiers: MedGen C0950123, MeSH D030342.

Allele frequency attached by ClinVar (database versions not stated): gnomAD exomes below 0.00001.

Submissions (2):

Ambry Genetics
Classification: Uncertain significance for Inborn genetic diseases. Last evaluated: 2024-07-14. Review status: criteria provided, single submitter. Criteria: Ambry Variant Classification Scheme 2023. Collection method: clinical testing. Allele origin: germline.

Greenwood Genetic Center Diagnostic Laboratories, Greenwood Genetic Center
Classification: Uncertain significance. Last evaluated: 2024-01-26. Review status: criteria provided, single submitter. Criteria: ACMG Guidelines, 2015. Collection method: clinical testing. Allele origin: germline. Affected: yes.
Comment: PM2, PP3